The following is an entry in ClinVar:

NM_024598.4(USB1):c.609+4A>G

Gene: USB1 (U6 snRNA biogenesis phosphodiesterase 1; plus strand). Cytogenetic location: 16q21.
Variant type: single nucleotide variant.
Coding change: c.609+4A>G on transcript NM_024598.4 (MANE Select); 4 bases into the intron after coding-DNA position 609, A replaced by G.
Molecular consequence: intron variant.
Genome position (GRCh38, 1-based): chr16:58,017,443, A>G. VCF-style: chr16-58017443-A-G. GRCh37 (hg19) VCF-style: chr16-58051347-A-G.
Other names: c.555+4A>G (NM_001195302.2); c.456+4A>G (NM_001330568.2).
Identifiers: ClinVar variation 1525623 (VCV001525623.5), dbSNP rs1963643441, ClinGen allele CA2573152503.
Genomic context (GRCh38, chr16:58,017,443, plus strand): 5'-CTGGTTTCAGAGGTGGACAGAGTCATGGAGGAATTCAACCTCACCACTTTCTACCAGGTA[A>G]TGAATGGGGCTGCTGCTTCTCCATTGACCCATTTCTAATGAGAATAAAACTGTCTTTAAA-3'

ClinVar aggregate classification (germline): Uncertain significance (1 of 4 stars; one submission).

Submission:

Labcorp Genetics (formerly Invitae), Labcorp
Classification: Uncertain significance. Last evaluated: 2021-01-20. Review status: criteria provided, single submitter. Criteria: Invitae Variant Classification Sherloc (09022015). Collection method: clinical testing. Allele origin: germline.
Comment: This sequence change falls in intron 5 of the USB1 gene. It does not directly change the encoded amino acid sequence of the USB1 protein. It affects a nucleotide within the consensus splice site of the intron. This variant is not present in population databases (ExAC no frequency). This variant has not been reported in the literature in individuals with USB1-related conditions. Nucleotide substitutions within the consensus splice site are a relatively common cause of aberrant splicing (PMID: 17576681, 9536098). Algorithms developed to predict the effect of sequence changes on RNA splicing suggest that this variant may disrupt the consensus splice site, but this prediction has not been confirmed by published transcriptional studies. In summary, the available evidence is currently insufficient to determine the role of this variant in disease. Therefore, it has been classified as a Variant of Uncertain Significance.

Literature cited by the submitters: PubMed 17576681; PubMed 9536098.